The following is an entry in ClinVar:

NM_018648.4(NOP10):c.151C>T (p.Arg51Cys)

Gene: NOP10 (NOP10 ribonucleoprotein; minus strand). Cytogenetic location: 15q14.
Variant type: single nucleotide variant.
Coding change: c.151C>T on transcript NM_018648.4 (MANE Select); coding-DNA position 151, C replaced by T.
Protein change: p.Arg51Cys; replaces arginine 51 with cysteine.
Molecular consequence: missense variant.
Genome position (GRCh38, 1-based): chr15:34,342,012, G>A on the plus strand (C>T on the coding strand, the complement: NOP10 is on the minus strand). VCF-style: chr15-34342012-G-A. GRCh37 (hg19) VCF-style: chr15-34634213-G-A.
Other names: short protein forms R51C.
Identifiers: ClinVar variation 2804202 (VCV002804202.3), dbSNP rs763635922, ClinGen allele CA7464768.
Genomic context (GRCh38, chr15:34,342,012, plus strand): 5'-TCAGTTTAAGGGACCCTCAGAGGACAGGGCGCGGTTGCTGGGTCATGAGCACCTTGAAGC[G>A]TTTCTTGATGGTGATTCGGTGTCGAGAGTATTTGTCATCTGGGGAGAACCGAGCAGGATG-3'
Protein context (NP_061118.1, residues 41-61): YSRHRITIKK[Arg51Cys]FKVLMTQQPR

ClinVar aggregate classification (germline): Uncertain significance (1 of 4 stars; one submission).

Conditions:
Dyskeratosis congenita, autosomal recessive 1. Identifiers: Orphanet 1775, MedGen C1857144, MONDO:0009136, OMIM 224230.

Allele frequency attached by ClinVar (database versions not stated): gnomAD exomes below 0.00001; ExAC 0.00001; gnomAD 0.00001.
gnomAD v4.1: 2 of 1,614,004 alleles (0.00012%); highest among the groups gnomAD compares: South Asian, 0.0022%; no homozygotes.

Submission:

Labcorp Genetics (formerly Invitae), Labcorp
Classification: Uncertain significance for Dyskeratosis congenita, autosomal recessive 1. Last evaluated: 2023-05-11. Review status: criteria provided, single submitter. Criteria: Invitae Variant Classification Sherloc (09022015). Collection method: clinical testing. Allele origin: germline.
Comment: This sequence change replaces arginine, which is basic and polar, with cysteine, which is neutral and slightly polar, at codon 51 of the NOP10 protein (p.Arg51Cys). In summary, the available evidence is currently insufficient to determine the role of this variant in disease. Therefore, it has been classified as a Variant of Uncertain Significance. An algorithm developed to predict the effect of missense changes on protein structure and function (PolyPhen-2) suggests that this variant is likely to be tolerated. This variant has not been reported in the literature in individuals affected with NOP10-related conditions. This variant is present in population databases (rs763635922, gnomAD 0.003%).